The following is an entry in ClinVar:

ClinVar aggregate classification (germline): Benign/Likely benign. Review status: criteria provided, multiple submitters, no conflicts (2 of 4 stars). 5 submissions from 5 submitters: Benign (2); Likely benign (3). Last evaluated 2026-01-14.

Conditions:
Left ventricular noncompaction 8 (LVNC8). Identifiers: Orphanet 154, Orphanet 54260, MedGen C3809288, MONDO:0014152, OMIM 615373.

Allele frequency attached by ClinVar (database versions not stated): 1000 Genomes Project 30x 0.00016; ESP Exome Variant Server 0.00137; TOPMed 0.00170.
gnomAD v4.1: 3,152 of 1,612,952 alleles (0.2%); highest among the groups gnomAD compares: Non-Finnish European, 0.22%; 4 homozygotes.

Submissions (5):

Labcorp Genetics (formerly Invitae), Labcorp
Classification: Benign for Left ventricular noncompaction 8. Last evaluated: 2026-01-14. Review status: criteria provided, single submitter. Criteria: Invitae Variant Classification Sherloc (09022015). Collection method: clinical testing. Allele origin: germline.

Blueprint Genetics
Classification: Likely benign. Last evaluated: 2024-11-19. Review status: criteria provided, single submitter. Criteria: ACMG Guidelines, 2015. Collection method: clinical testing. Allele origin: germline.

Women's Health and Genetics/Laboratory Corporation of America, LabCorp
Classification: Benign. Last evaluated: 2024-11-11. Review status: criteria provided, single submitter. Criteria: LabCorp Variant Classification Summary - May 2015. Collection method: clinical testing. Allele origin: germline.

GeneDx
Classification: Likely benign. Last evaluated: 2018-02-22. Review status: criteria provided, single submitter. Criteria: GeneDx Variant Classification (06012015). Collection method: clinical testing. Allele origin: germline. Affected: yes.
Comment: This variant is considered likely benign or benign based on one or more of the following criteria: it is a conservative change, it occurs at a poorly conserved position in the protein, it is predicted to be benign by multiple in silico algorithms, and/or has population frequency not consistent with disease.

Laboratory for Molecular Medicine, Mass General Brigham Personalized Medicine
Classification: Likely benign. Last evaluated: 2015-07-08. Review status: criteria provided, single submitter. Criteria: LMM Criteria. Collection method: clinical testing. Allele origin: germline. Observed: 1 variant allele.
Comment: c.3109+12G>C in intron 13 of PRDM16: This variant is not expected to have clinic al significance because it is not located within the conserved splice consensus sequence. It has been identified in 0.5% (30/6582) of Finnish chromosomes and 0. 3% (170/65290) of European chromosomes by the Exome Aggregation Consortium (ExAC; dbSNP rs200643126).

NM_022114.4(PRDM16):c.3109+12G>C

Gene: PRDM16 (PR/SET domain 16; plus strand). Cytogenetic location: 1p36.32.
Variant type: single nucleotide variant.
Coding change: c.3109+12G>C on transcript NM_022114.4 (MANE Select); 12 bases into the intron after coding-DNA position 3109, G replaced by C.
Molecular consequence: intron variant.
Genome position (GRCh38, 1-based): chr1:3,425,762, G>C. VCF-style: chr1-3425762-G-C. GRCh37 (hg19) VCF-style: chr1-3342326-G-C.
Other names: c.3109+12G>C (NM_199454.3).
Identifiers: ClinVar variation 227868 (VCV000227868.16), dbSNP rs200643126, ClinGen allele CA544712.